The following is an entry in ClinVar:

ClinVar aggregate classification (germline): Uncertain significance (1 of 4 stars; one submission).

Allele frequency attached by ClinVar (database versions not stated): gnomAD exomes below 0.00001.
gnomAD v4.1: 1 of 1,551,230 alleles (0.000064%); highest among the groups gnomAD compares: Non-Finnish European, 0.000087%; no homozygotes.

Submission:

Labcorp Genetics (formerly Invitae), Labcorp
Classification: Uncertain significance. Last evaluated: 2022-02-21. Review status: criteria provided, single submitter. Criteria: Invitae Variant Classification Sherloc (09022015). Collection method: clinical testing. Allele origin: germline.
Comment: In summary, the available evidence is currently insufficient to determine the role of this variant in disease. Therefore, it has been classified as a Variant of Uncertain Significance. Algorithms developed to predict the effect of missense changes on protein structure and function (SIFT, PolyPhen-2, Align-GVGD) all suggest that this variant is likely to be tolerated. This variant has not been reported in the literature in individuals affected with SLC24A1-related conditions. This variant is not present in population databases (gnomAD no frequency). This sequence change replaces proline, which is neutral and non-polar, with serine, which is neutral and polar, at codon 779 of the SLC24A1 protein (p.Pro779Ser).

NM_004727.3(SLC24A1):c.2335C>T (p.Pro779Ser)

Gene: SLC24A1 (solute carrier family 24 member 1; plus strand). Cytogenetic location: 15q22.31.
Variant type: single nucleotide variant.
Coding change: c.2335C>T on transcript NM_004727.3 (MANE Select); coding-DNA position 2335, C replaced by T.
Protein change: p.Pro779Ser; replaces proline 779 with serine.
Molecular consequence: missense variant.
Genome position (GRCh38, 1-based): chr15:65,650,484, C>T. VCF-style: chr15-65650484-C-T. GRCh37 (hg19) VCF-style: chr15-65942822-C-T.
Other names: c.316C>T, p.Pro106Ser (NM_001254740.2); c.2335C>T, p.Pro779Ser (NM_001301031.1); c.2281C>T, p.Pro761Ser (NM_001301032.1, NM_001301033.2); c.1993C>T, p.Pro665Ser (NM_001411142.1); short protein forms P106S, P779S, P665S, P761S.
Identifiers: ClinVar variation 1976129 (VCV001976129.5), dbSNP rs1178787196, ClinGen allele CA392898876.